The following is an entry in ClinVar:

NM_133372.3(FNIP1):c.2855G>T (p.Gly952Val)

Gene: FNIP1 (folliculin interacting protein 1; minus strand). Cytogenetic location: 5q31.1.
Variant type: single nucleotide variant.
Coding change: c.2855G>T on transcript NM_133372.3 (MANE Select); coding-DNA position 2855, G replaced by T.
Protein change: p.Gly952Val; replaces glycine 952 with valine.
Molecular consequence: missense variant.
Genome position (GRCh38, 1-based): chr5:131,671,589, C>A on the plus strand (G>T on the coding strand, the complement: FNIP1 is on the minus strand). VCF-style: chr5-131671589-C-A. GRCh37 (hg19) VCF-style: chr5-131007282-C-A.
Other names: c.2771G>T, p.Gly924Val (NM_001008738.3); c.2720G>T, p.Gly907Val (NM_001346114.2); short protein forms G924V, G907V, G952V.
Identifiers: ClinVar variation 1983998 (VCV001983998.1), dbSNP rs150874654, ClinGen allele CA3400460.

ClinVar aggregate classification (germline): Uncertain significance (1 of 4 stars; one submission).

Allele frequency attached by ClinVar (database versions not stated): TOPMed below 0.00001; ExAC 0.00001; gnomAD exomes 0.00002; ESP Exome Variant Server 0.00008.
gnomAD v4.1: 32 of 1,613,880 alleles (0.002%); highest among the groups gnomAD compares: Non-Finnish European, 0.0025%; no homozygotes.

Submission:

Labcorp Genetics (formerly Invitae), Labcorp
Classification: Uncertain significance. Last evaluated: 2022-04-25. Review status: criteria provided, single submitter. Criteria: Invitae Variant Classification Sherloc (09022015). Collection method: clinical testing. Allele origin: germline.
Comment: This sequence change replaces glycine, which is neutral and non-polar, with valine, which is neutral and non-polar, at codon 952 of the FNIP1 protein (p.Gly952Val). This variant is present in population databases (rs150874654, gnomAD 0.003%). This variant has not been reported in the literature in individuals affected with FNIP1-related conditions. Algorithms developed to predict the effect of missense changes on protein structure and function are either unavailable or do not agree on the potential impact of this missense change (SIFT: "Tolerated"; PolyPhen-2: "Probably Damaging"; Align-GVGD: "Class C0"). In summary, the available evidence is currently insufficient to determine the role of this variant in disease. Therefore, it has been classified as a Variant of Uncertain Significance.